The following is an entry in ClinVar:

NM_001350162.2(TEX15):c.3959G>A (p.Arg1320Gln)

Gene: TEX15 (testis expressed 15, meiosis and synapsis associated; minus strand). Cytogenetic location: 8p12.
Variant type: single nucleotide variant.
Coding change: c.3959G>A on transcript NM_001350162.2 (MANE Select); coding-DNA position 3959, G replaced by A.
Protein change: p.Arg1320Gln; replaces arginine 1320 with glutamine.
Molecular consequence: missense variant.
Genome position (GRCh38, 1-based): chr8:30,846,208, C>T on the plus strand (G>A on the coding strand, the complement: TEX15 is on the minus strand). VCF-style: chr8-30846208-C-T. GRCh37 (hg19) VCF-style: chr8-30703724-C-T.
Other names: c.2810G>A (NM_031271.3); short protein forms R1320Q.
Identifiers: ClinVar variation 789764 (VCV000789764.6), dbSNP rs62000448, ClinGen allele CA4703141.

ClinVar aggregate classification (germline): Benign. Review status: criteria provided, multiple submitters, no conflicts (2 of 4 stars). 3 submissions from 3 submitters: Benign (2). 1 of the submissions does not count toward it. Last evaluated 2018-04-20.

Conditions:
TEX15-related disorder. Also called: TEX15-related condition.

Allele frequency attached by ClinVar (database versions not stated): gnomAD exomes 0.00146; ExAC 0.00167; 1000 Genomes Project 0.00539; ESP Exome Variant Server 0.00561; gnomAD 0.00586 and 0.00612; 1000 Genomes Project 30x 0.00609; TOPMed 0.00625.
gnomAD v4.1: 1,726 of 1,613,060 alleles (0.11%); highest among the groups gnomAD compares: African/African-American, 2%; 17 homozygotes.

Submissions (3):

Labcorp Genetics (formerly Invitae), Labcorp
Classification: Benign. Last evaluated: 2018-04-20. Review status: criteria provided, single submitter. Criteria: Invitae Variant Classification Sherloc (09022015). Collection method: clinical testing. Allele origin: germline.

Breakthrough Genomics
Classification: Benign. Review status: criteria provided, single submitter. Criteria: ACMG Guidelines, 2015. Collection method: not provided. Allele origin: germline. Inheritance: Autosomal recessive inheritance. Affected: yes.

PreventionGenetics, part of Exact Sciences
Classification: Benign for TEX15-related condition. Last evaluated: 2019-06-07. Review status: no assertion criteria provided. Collection method: clinical testing. Allele origin: germline. Not counted in ClinVar's aggregate classification.
Comment: This variant is classified as benign based on ACMG/AMP sequence variant interpretation guidelines (Richards et al. 2015 PMID: 25741868, with internal and published modifications).